The following is an entry in ClinVar:

NM_000443.4(ABCB4):c.1285G>A (p.Gly429Arg)

Gene: ABCB4 (ATP binding cassette subfamily B member 4; minus strand). Cytogenetic location: 7q21.12.
Variant type: single nucleotide variant.
Coding change: c.1285G>A on transcript NM_000443.4 (MANE Select); coding-DNA position 1285, G replaced by A.
Protein change: p.Gly429Arg; replaces glycine 429 with arginine.
Molecular consequence: missense variant.
Genome position (GRCh38, 1-based): chr7:87,443,390, C>T on the plus strand (G>A on the coding strand, the complement: ABCB4 is on the minus strand). VCF-style: chr7-87443390-C-T. GRCh37 (hg19) VCF-style: chr7-87072706-C-T.
Other names: c.1285G>A (NM_000443.3); c.1285G>A, p.Gly429Arg (NM_018849.3, NM_018850.3); short protein forms G429R.
Identifiers: ClinVar variation 598524 (VCV000598524.8), dbSNP rs374007494, ClinGen allele CA162092616.
Genomic context (GRCh38, chr7:87,443,390, plus strand): 5'-CAGGGTCATAGAGCCTCTGTATCAGCTGGACCGTTGTGCTCTTCCCACAGCCACTACTTC[C>T]AACCAGGGCCACCGTCTGCCCACTCTGCACCTTCAGGTTGAGGCCCTTCAAGATCTGTAA-3'
Protein context (NP_000434.1, residues 419-439): VQSGQTVALV[Gly429Arg]SSGCGKSTTV

ClinVar aggregate classification (germline): Uncertain significance. Review status: criteria provided, multiple submitters, no conflicts (2 of 4 stars). 4 submissions from 4 submitters: Uncertain significance (4). Last evaluated 2026-05-03.

Conditions:
ABCB4-related disorder. Also called: ABCB4-related disorders; ABCB4-related condition.
Familial intrahepatic cholestasis. Identifiers: Orphanet 284385, MedGen CN296401, MONDO:0017290.

Allele frequency attached by ClinVar (database versions not stated): gnomAD exomes below 0.00001; gnomAD 0.00001; TOPMed 0.00001; ESP Exome Variant Server 0.00008.
gnomAD v4.1: 4 of 1,613,942 alleles (0.00025%); highest among the groups gnomAD compares: African/African-American, 0.0027%; no homozygotes.

Submissions (4):

PreventionGenetics, part of Exact Sciences
Classification: Uncertain significance for ABCB4-related condition. Last evaluated: 2026-05-03. Review status: criteria provided, single submitter. Criteria: ACMG Guidelines, 2015. Collection method: clinical testing. Allele origin: germline.
Comment: The ABCB4 c.1285G>A variant is predicted to result in the amino acid substitution p.Gly429Arg. This variant has been reported in the presumed compound heterozygous state with another ABCB4 missense variant of uncertain significance (p.Gly581Val) in an individual with familial progressive intrahepatic cholestasis (Table S3C, Neřoldová et al. 2023. PubMed ID: 37471416). This variant has not been reported in a large population database (gnomAD), indicating this variant is rare. Although we suspect that this variant may be pathogenic, at this time, the clinical significance of this variant is uncertain due to the absence of conclusive functional and genetic evidence.

Genomenon, Inc
Classification: Uncertain significance for Familial intrahepatic cholestasis. Last evaluated: 2026-04-14. Review status: criteria provided, single submitter. Criteria: Genomenon Sequence Variant Interpretation Standards - Updated. Collection method: curation. Allele origin: germline. Affected: yes.
Comment: ABCB4 p.Gly429Arg (c.1285G>A) is a missense variant that changes the amino acid at residue 429 from Glycine to Arginine. This variant has been observed in at least one proband with an ABCB4-related disorder (PMID:37471416). It is absent or not present at a significant frequency in gnomAD. In silico models predict that this variant is possibly or probably damaging. In conclusion, we classify ABCB4 p.Gly429Arg (c.1285G>A) as a variant of uncertain significance.

Women's Health and Genetics/Laboratory Corporation of America, LabCorp
Classification: Uncertain significance. Last evaluated: 2025-03-24. Review status: criteria provided, single submitter. Criteria: LabCorp Variant Classification Summary - May 2015. Collection method: clinical testing. Allele origin: germline.
Comment: Variant summary: ABCB4 c.1285G>A (p.Gly429Arg) results in a non-conservative amino acid change in the encoded protein sequence. Five of five in-silico tools predict a damaging effect of the variant on protein function. The variant was absent in 251344 control chromosomes. The available data on variant occurrences in the general population are insufficient to allow any conclusion about variant significance. c.1285G>A has been reported in the compound heterozygous state in the literature in at least 1 individual affected with autosomal recessive Familial Intrahepatic Cholestasis (example, Neroldova_2023). These data do not allow any conclusion about variant significance. To our knowledge, no experimental evidence demonstrating an impact on protein function has been reported. The following publication has been ascertained in the context of this evaluation (PMID: 37471416). ClinVar contains an entry for this variant (Variation ID: 598524). Based on the evidence outlined above, the variant was classified as uncertain significance.

Eurofins Ntd Llc (ga)
Classification: Uncertain significance. Last evaluated: 2018-08-24. Review status: criteria provided, single submitter. Criteria: EGL ClinVar v180209 classification definitions. Collection method: clinical testing. Allele origin: germline. Observed: 2 variant alleles, 2 heterozygotes.

Literature cited by the submitters: PubMed 37471416 (cited by Genomenon, Inc and Women's Health and Genetics/Laboratory Corporation of America, LabCorp).